The following is an entry in ClinVar:

NM_016203.4(PRKAG2):c.1183G>C (p.Ala395Pro)

Gene: PRKAG2 (protein kinase AMP-activated non-catalytic subunit gamma 2; minus strand). Cytogenetic location: 7q36.1.
Variant type: single nucleotide variant.
Coding change: c.1183G>C on transcript NM_016203.4 (MANE Select); coding-DNA position 1183, G replaced by C.
Protein change: p.Ala395Pro; replaces alanine 395 with proline.
Molecular consequence: missense variant.
Genome position (GRCh38, 1-based): chr7:151,568,766, C>G on the plus strand (G>C on the coding strand, the complement: PRKAG2 is on the minus strand). VCF-style: chr7-151568766-C-G. GRCh37 (hg19) VCF-style: chr7-151265852-C-G.
Other names: c.1051G>C, p.Ala351Pro (NM_001040633.2, NM_001407024.1); c.808G>C, p.Ala270Pro (NM_001304527.2, NM_001407029.1); c.460G>C, p.Ala154Pro (NM_001304531.2, NM_001407034.1, NM_001407035.1 and 1 more transcripts); c.811G>C, p.Ala271Pro (NM_001363698.2, NM_001407028.1); c.1183G>C, p.Ala395Pro (NM_001407021.1); c.1180G>C, p.Ala394Pro (NM_001407022.1, NM_001407023.1); c.1048G>C, p.Ala350Pro (NM_001407026.1, NM_001407027.1); c.895G>C, p.Ala299Pro (NM_001407030.1); and 6 more; short protein forms A153P, A270P, A298P, A351P, A289P, A350P, A154P, A174P.
Identifiers: ClinVar variation 1742833 (VCV001742833.10), dbSNP rs967214143, ClinGen allele CA169166209.
Genomic context (GRCh38, chr7:151,568,766, plus strand): 5'-AACTACTTACAAAAAGCTGGAGGAACTTGAGGATTCTTTTGTGGGTAAGTATATAAAGTG[C>G]ATTCCCACTGATAGGGTCAATAACGGGCAATCTGTGGATTTTATTTTTGATCAAGGAGTA-3'
Protein context (NP_057287.2, residues 385-405): LPVIDPISGN[Ala395Pro]LYILTHKRIL

ClinVar aggregate classification (germline): Uncertain significance. Review status: criteria provided, multiple submitters, no conflicts (2 of 4 stars). 4 submissions from 4 submitters: Uncertain significance (4). Last evaluated 2026-03-17.

Conditions:
Cardiomyopathy (CMYO). Also called: Cardiomyopathies. Identifiers: Orphanet 167848, MedGen C0878544, MONDO:0004994, HP:0001638. Inheritance: Various modes of inheritance.
Cardiovascular phenotype. Identifiers: MedGen CN230736.
Lethal congenital glycogen storage disease of heart. Also called: GLYCOGEN STORAGE DISEASE OF HEART; PHOSPHORYLASE KINASE DEFICIENCY OF HEART. Identifiers: Orphanet 439854, MedGen C1849813, MONDO:0009867, OMIM 261740.

Allele frequency attached by ClinVar (database versions not stated): gnomAD 0.00001; TOPMed 0.00001.
gnomAD v4.1: 3 of 1,613,790 alleles (0.00019%); highest among the groups gnomAD compares: African/African-American, 0.0027%; no homozygotes.

Submissions (4):

Ambry Genetics
Classification: Uncertain significance for Cardiovascular phenotype. Last evaluated: 2026-03-17. Review status: criteria provided, single submitter. Criteria: Ambry Variant Classification Scheme 2023. Collection method: clinical testing. Allele origin: germline.

GeneDx
Classification: Uncertain significance. Last evaluated: 2024-10-03. Review status: criteria provided, single submitter. Criteria: GeneDx Variant Classification Process June 2021. Collection method: clinical testing. Allele origin: germline. Affected: yes.
Comment: Not observed at significant frequency in large population cohorts (gnomAD); In silico analysis supports that this missense variant has a deleterious effect on protein structure/function; Has not been previously published as pathogenic or benign to our knowledge

Color Diagnostics, LLC DBA Color Health
Classification: Uncertain significance for Cardiomyopathy. Last evaluated: 2024-02-12. Review status: criteria provided, single submitter. Criteria: ACMG Guidelines, 2015. Collection method: clinical testing. Allele origin: germline.
Comment: This missense variant replaces alanine with proline at codon 395 of the PRKAG2 protein. Computational prediction suggests that this variant may have deleterious impact on protein structure and function (internally defined REVEL score threshold >= 0.7, PMID: 27666373). To our knowledge, functional studies have not been reported for this variant. This variant has not been reported in individuals affected with PRKAG2-related disorders in the literature. This variant has been identified in 1/251420 chromosomes in the general population by the Genome Aggregation Database (gnomAD). The available evidence is insufficient to determine the role of this variant in disease conclusively. Therefore, this variant is classified as a Variant of Uncertain Significance.

Labcorp Genetics (formerly Invitae), Labcorp
Classification: Uncertain significance for Lethal congenital glycogen storage disease of heart. Last evaluated: 2022-05-08. Review status: criteria provided, single submitter. Criteria: Invitae Variant Classification Sherloc (09022015). Collection method: clinical testing. Allele origin: germline.
Comment: In summary, the available evidence is currently insufficient to determine the role of this variant in disease. Therefore, it has been classified as a Variant of Uncertain Significance. Algorithms developed to predict the effect of missense changes on protein structure and function (SIFT, PolyPhen-2, Align-GVGD) all suggest that this variant is likely to be tolerated. This variant has not been reported in the literature in individuals affected with PRKAG2-related conditions. This variant is present in population databases (no rsID available, gnomAD 0.007%). This sequence change replaces alanine, which is neutral and non-polar, with proline, which is neutral and non-polar, at codon 395 of the PRKAG2 protein (p.Ala395Pro).